The following is an entry in ClinVar:

NM_004629.2(FANCG):c.439G>A (p.Ala147Thr)

Gene: FANCG (FA complementation group G; minus strand). Cytogenetic location: 9p13.3.
Variant type: single nucleotide variant.
Coding change: c.439G>A on transcript NM_004629.2 (MANE Select); coding-DNA position 439, G replaced by A.
Protein change: p.Ala147Thr; replaces alanine 147 with threonine.
Molecular consequence: missense variant.
Genome position (GRCh38, 1-based): chr9:35,078,212, C>T on the plus strand (G>A on the coding strand, the complement: FANCG is on the minus strand). VCF-style: chr9-35078212-C-T. GRCh37 (hg19) VCF-style: chr9-35078209-C-T.
Other names: short protein forms A147T.
Identifiers: ClinVar variation 4254428 (VCV004254428.1).

ClinVar aggregate classification (germline): Uncertain significance (1 of 4 stars; one submission).

Conditions:
Inborn genetic diseases. Identifiers: MedGen C0950123, MeSH D030342.

Submission:

Ambry Genetics
Classification: Uncertain significance for Inborn genetic diseases. Last evaluated: 2025-06-20. Review status: criteria provided, single submitter. Criteria: Ambry Variant Classification Scheme 2023. Collection method: clinical testing. Allele origin: germline.
Comment: The p.A147T variant (also known as c.439G>A), located in coding exon 4 of the FANCG gene, results from a G to A substitution at nucleotide position 439. The alanine at codon 147 is replaced by threonine, an amino acid with similar properties. This amino acid position is conserved. In addition, the in silico prediction for this alteration is inconclusive. Based on the available evidence, the clinical significance of this variant remains unclear.